The following is an entry in ClinVar:

ClinVar aggregate classification (germline): Uncertain significance (1 of 4 stars; one submission).

Conditions:
Hyperkalemic periodic paralysis. Also called: Familial hyperkalemic periodic paralysis; Gamstorp disease. Identifiers: Orphanet 682, MedGen C0238357, MONDO:0008224, OMIM 170500, HP:0007215.

Submission:

Labcorp Genetics (formerly Invitae), Labcorp
Classification: Uncertain significance for Hyperkalemic periodic paralysis. Last evaluated: 2023-07-17. Review status: criteria provided, single submitter. Criteria: Invitae Variant Classification Sherloc (09022015). Collection method: clinical testing. Allele origin: germline.
Comment: This sequence change affects codon 670 of the SCN4A mRNA. It is a 'silent' change, meaning that it does not change the encoded amino acid sequence of the SCN4A protein. Information on the frequency of this variant in the gnomAD database is not available, as this variant may be reported differently in the database. This variant has not been reported in the literature in individuals affected with SCN4A-related conditions. Experimental studies and prediction algorithms are not available or were not evaluated, and the effect of this variant on mRNA splicing is currently unknown. In summary, the available evidence is currently insufficient to determine the role of this variant in disease. Therefore, it has been classified as a Variant of Uncertain Significance.

NM_000334.4(SCN4A):c.2008_2009delinsAG (p.Ser670=)

Gene: SCN4A (sodium voltage-gated channel alpha subunit 4; minus strand). Cytogenetic location: 17q23.3.
Variant type: Indel.
Coding change: c.2008_2009delinsAG on transcript NM_000334.4 (MANE Select); coding-DNA positions 2008 to 2009, TC replaced by AG.
Protein change: p.Ser670=; no amino-acid change (serine 670 retained).
Molecular consequence: synonymous variant.
Genome position (GRCh38, 1-based): chr17:63,959,275-63,959,276, GA replaced by CT on the plus strand (TC replaced by AG on the coding strand, the reverse complement: SCN4A is on the minus strand). VCF-style: chr17-63959275-GA-CT. GRCh37 (hg19) VCF-style: chr17-62036635-GA-CT.
Identifiers: ClinVar variation 2896596 (VCV002896596.3), dbSNP rs2509307703, ClinGen allele CA2739268304.